The following is an entry in ClinVar:

NM_001365536.1(SCN9A):c.2048C>T (p.Pro683Leu)

Genes: SCN1A-AS1 (SCN1A and SCN9A antisense RNA 1; plus strand), SCN9A (sodium voltage-gated channel alpha subunit 9; minus strand). Cytogenetic location: 2q24.3.
Variant type: single nucleotide variant.
Coding change: c.2048C>T on transcript NM_001365536.1 (MANE Select); coding-DNA position 2048, C replaced by T.
Protein change: p.Pro683Leu; replaces proline 683 with leucine.
Molecular consequence: missense variant.
Genome position (GRCh38, 1-based): chr2:166,281,735, G>A on the plus strand (C>T on the coding strand, the complement: SCN9A is on the minus strand). VCF-style: chr2-166281735-G-A. GRCh37 (hg19) VCF-style: chr2-167138245-G-A.
Other names: c.2015C>T, p.Pro672Leu (NM_002977.4); short protein forms P672L, P683L.
Identifiers: ClinVar variation 1362561 (VCV001362561.8), dbSNP rs1697498229, ClinGen allele CA349081087.

ClinVar aggregate classification (germline): Uncertain significance (1 of 4 stars; one submission).

Conditions:
Generalized epilepsy with febrile seizures plus, type 7 (GEFSP7). Also called: GEFS+, TYPE 7. Identifiers: Orphanet 36387, MedGen C2751778, MONDO:0013470, OMIM 613863.
Neuropathy, hereditary sensory and autonomic, type 2A (HSAN2A). Also called: MORVAN DISEASE; ACROOSTEOLYSIS, GIACCAI TYPE; ACROOSTEOLYSIS, NEUROGENIC; NEUROPATHY, CONGENITAL SENSORY; NEUROPATHY, HEREDITARY SENSORY RADICULAR, AUTOSOMAL RECESSIVE; NEUROPATHY, HEREDITARY SENSORY, TYPE IIA. Identifiers: Orphanet 970, MedGen C2752089, MONDO:0024309, OMIM 201300.

Allele frequency attached by ClinVar (database versions not stated): gnomAD exomes below 0.00001.
gnomAD v4.1: 1 of 1,613,104 alleles (0.000062%); highest among the groups gnomAD compares: East Asian, 0.0022%; no homozygotes.

Submission:

Labcorp Genetics (formerly Invitae), Labcorp
Classification: Uncertain significance for Neuropathy, hereditary sensory and autonomic, type 2A; Generalized epilepsy with febrile seizures plus, type 7. Last evaluated: 2025-09-08. Review status: criteria provided, single submitter. Criteria: Invitae Variant Classification Sherloc (09022015). Collection method: clinical testing. Allele origin: germline.
Comment: This sequence change replaces proline, which is neutral and non-polar, with leucine, which is neutral and non-polar, at codon 672 of the SCN9A protein (p.Pro672Leu). This variant is not present in population databases (gnomAD no frequency). This variant has not been reported in the literature in individuals affected with SCN9A-related conditions. ClinVar contains an entry for this variant (Variation ID: 1362561). Invitae Evidence Modeling of protein sequence and biophysical properties (such as structural, functional, and spatial information, amino acid conservation, physicochemical variation, residue mobility, and thermodynamic stability) indicates that this missense variant is not expected to disrupt SCN9A protein function with a negative predictive value of 95%. In summary, the available evidence is currently insufficient to determine the role of this variant in disease. Therefore, it has been classified as a Variant of Uncertain Significance.